The following is an entry in ClinVar:

ClinVar aggregate classification (germline): Uncertain significance (1 of 4 stars; one submission).

Submission:

Labcorp Genetics (formerly Invitae), Labcorp
Classification: Uncertain significance. Last evaluated: 2022-01-15. Review status: criteria provided, single submitter. Criteria: Invitae Variant Classification Sherloc (09022015). Collection method: clinical testing. Allele origin: germline.
Comment: This sequence change replaces lysine, which is basic and polar, with asparagine, which is neutral and polar, at codon 245 of the PNPLA8 protein (p.Lys245Asn). This variant is not present in population databases (gnomAD no frequency). This variant has not been reported in the literature in individuals affected with PNPLA8-related conditions. Algorithms developed to predict the effect of missense changes on protein structure and function (SIFT, PolyPhen-2, Align-GVGD) all suggest that this variant is likely to be tolerated. In summary, the available evidence is currently insufficient to determine the role of this variant in disease. Therefore, it has been classified as a Variant of Uncertain Significance.

NM_001256007.3(PNPLA8):c.735A>T (p.Lys245Asn)

Gene: PNPLA8 (patatin like domain 8, phospholipase A2; minus strand). Cytogenetic location: 7q31.1.
Variant type: single nucleotide variant.
Coding change: c.735A>T on transcript NM_001256007.3 (MANE Select); coding-DNA position 735, A replaced by T.
Protein change: p.Lys245Asn; replaces lysine 245 with asparagine.
Molecular consequence: missense variant.
Genome position (GRCh38, 1-based): chr7:108,514,757, T>A on the plus strand (A>T on the coding strand, the complement: PNPLA8 is on the minus strand). VCF-style: chr7-108514757-T-A. GRCh37 (hg19) VCF-style: chr7-108155201-T-A.
Other names: c.735A>T, p.Lys245Asn (NM_001256008.3, NM_001256009.3, NM_015723.5); c.435A>T, p.Lys145Asn (NM_001256010.3, NM_001256011.3); short protein forms K145N, K245N.
Identifiers: ClinVar variation 2083412 (VCV002083412.4), dbSNP rs1863189261, ClinGen allele CA368898157.
Genomic context (GRCh38, chr7:108,514,757, plus strand): 5'-CGTATGTACAGATTCTGAGCCTGGCTTATAAGCCAGGATGCCAGGATCTGGAGATCTTAA[T>A]TTCCCCTCTTCTACCTTTTTATCTTCAAGTTCTGATTTGTCCCGGAAATGTTCATTTTCC-3'
Protein context (NP_001242936.1, residues 235-255): ELEDKKVEEG[Lys245Asn]LRSPDPGILA